The following is an entry in ClinVar:

NM_007294.4(BRCA1):c.310A>G (p.Ser104Gly)

Gene: BRCA1 (BRCA1 DNA repair associated; minus strand). Cytogenetic location: 17q21.31.
Variant type: single nucleotide variant.
Coding change: c.310A>G on transcript NM_007294.4 (MANE Select); coding-DNA position 310, A replaced by G.
Protein change: p.Ser104Gly; replaces serine 104 with glycine.
Molecular consequence: missense variant. On other transcripts: 5 prime UTR variant (7), intron variant (2).
Genome position (GRCh38, 1-based): chr17:43,104,253, T>C on the plus strand (A>G on the coding strand, the complement: BRCA1 is on the minus strand). VCF-style: chr17-43104253-T-C. GRCh37 (hg19) VCF-style: chr17-41256270-T-C.
Other names: c.310A>G, p.Ser104Gly (NM_001407974.1, NM_001407975.1, NM_001407976.1 and 164 more transcripts); c.100A>G, p.Ser34Gly (NM_001407918.1, NM_001407853.1, NM_001407946.1 and 58 more transcripts); c.169A>G, p.Ser57Gly (NM_001407921.1, NM_001407922.1, NM_001407923.1 and 99 more transcripts); c.301A>G, p.Ser101Gly (NM_001407646.1, NM_001407647.1, NM_001408408.1); c.232A>G, p.Ser78Gly (NM_001407653.1, NM_001407663.1, NM_001407862.1 and 21 more transcripts); c.178A>G, p.Ser60Gly (NM_001408451.1); c.-72A>G (NM_001407959.1, NM_001407960.1, NM_001407962.1 and 4 more transcripts); c.-218-9393A>G (NM_001407967.1, NM_001407966.1); short protein forms S60G, S101G, S34G, S78G, S104G, S57G.
Identifiers: ClinVar variation 4215102 (VCV004215102.1).

ClinVar aggregate classification (germline): Uncertain significance (1 of 4 stars; one submission).

Conditions:
Hereditary cancer-predisposing syndrome. Also called: Neoplastic Syndromes, Hereditary; Tumor predisposition; Hereditary Cancer Syndrome; Hereditary neoplastic syndrome. Identifiers: Orphanet 140162, MedGen C0027672, MeSH D009386, MONDO:0015356.

gnomAD v4.1: 2 of 1,609,382 alleles (0.00012%); highest among the groups gnomAD compares: African/African-American, 0.0013%; no homozygotes.

Submission:

Ambry Genetics
Classification: Uncertain significance for Hereditary cancer-predisposing syndrome. Last evaluated: 2025-08-04. Review status: criteria provided, single submitter. Criteria: Ambry Variant Classification Scheme 2023. Collection method: clinical testing. Allele origin: germline.
Comment: The p.S104G variant (also known as c.310A>G), located in coding exon 5 of the BRCA1 gene, results from an A to G substitution at nucleotide position 310. The serine at codon 104 is replaced by glycine, an amino acid with similar properties. This amino acid position is not well conserved in available vertebrate species. In addition, the in silico prediction for this alteration is inconclusive. Based on the available evidence, the clinical significance of this variant remains unclear.